The following is an entry in ClinVar:

NM_003072.5(SMARCA4):c.423G>A (p.Ser141=)

Gene: SMARCA4 (SWI/SNF related BAF chromatin remodeling complex subunit ATPase 4; plus strand). Cytogenetic location: 19p13.2.
Variant type: single nucleotide variant.
Coding change: c.423G>A on transcript NM_003072.5 (MANE Select); coding-DNA position 423, G replaced by A.
Protein change: p.Ser141=; no amino-acid change (serine 141 retained).
Molecular consequence: synonymous variant. On other transcripts: non-coding transcript variant (1).
Genome position (GRCh38, 1-based): chr19:10,986,256, G>A. VCF-style: chr19-10986256-G-A. GRCh37 (hg19) VCF-style: chr19-11096932-G-A.
Other names: c.423G>A, p.Ser141= (NM_001128844.3, NM_001128845.2, NM_001128846.2 and 5 more transcripts).
Identifiers: ClinVar variation 640769 (VCV000640769.13), dbSNP rs773010358, ClinGen allele CA9203505.
Genomic context (GRCh38, chr19:10,986,256, plus strand): 5'-CTCGCCCCTGGGTGGCTCTGAGCATGCCTCTAGTCCAGTTCCAGCCAGTGGCCCGTCTTC[G>A]GGGCCCCAGATGTCTTCCGGGCCAGGAGGTGCCCCGCTGGATGGTGCTGACCCCCAGGCC-3'
Protein context (NP_003063.2, residues 131-151): SSPVPASGPS[Ser141=]GPQMSSGPGG

ClinVar aggregate classification (germline): Conflicting classifications of pathogenicity. Review status: criteria provided, conflicting classifications (1 of 4 stars). 4 submissions from 4 submitters: Uncertain significance (1); Benign (1); Likely benign (2). Last evaluated 2026-07-08.

Conditions:
Hereditary cancer-predisposing syndrome. Also called: Hereditary Cancer Syndrome; Hereditary neoplastic syndrome; Neoplastic Syndromes, Hereditary; Tumor predisposition. Identifiers: Orphanet 140162, MedGen C0027672, MeSH D009386, MONDO:0015356.
Rhabdoid tumor predisposition syndrome 2 (RTPS2). Identifiers: Orphanet 231108, Orphanet 69077, MedGen C2750074, MONDO:0013224, OMIM 613325.

Allele frequency attached by ClinVar (database versions not stated): gnomAD exomes below 0.00001; ExAC 0.00001.
gnomAD v4.1: 7 of 1,613,782 alleles (0.00043%); highest among the groups gnomAD compares: African/African-American, 0.0013%; no homozygotes.

Submissions (4):

Myriad Genetics, Inc.
Classification: Benign for Rhabdoid tumor predisposition syndrome 2. Last evaluated: 2026-07-08. Review status: criteria provided, single submitter. Criteria: Myriad Autosomal Dominant, Autosomal Recessive and X-Linked Classification Criteria (2023). Collection method: clinical testing. Allele origin: unknown.
Comment: This variant is considered benign. This variant is a silent/synonymous amino acid change and it is not expected to impact splicing.

Labcorp Genetics (formerly Invitae), Labcorp
Classification: Likely benign for Rhabdoid tumor predisposition syndrome 2. Last evaluated: 2026-01-20. Review status: criteria provided, single submitter. Criteria: Invitae Variant Classification Sherloc (09022015). Collection method: clinical testing. Allele origin: germline.

Quest Diagnostics Nichols Institute San Juan Capistrano
Classification: Uncertain significance. Last evaluated: 2025-08-18. Review status: criteria provided, single submitter. Criteria: Quest Diagnostics criteria. Collection method: clinical testing. Allele origin: unknown.
Comment: The SMARCA4 c.423G>A (p.Ser141=) synonymous variant has been reported in the published literature in an individual with non-small-cell lung cancer (PMID: 30082870 (2018)). The frequency of this variant in the general population (Genome Aggregation Database) is uninformative in the assessment of its pathogenicity. Analysis of this variant using software algorithms for the prediction of the effect of nucleotide changes on SMARCA4 mRNA splicing yielded predictions that this variant may result in the gain of a cryptic splice site without affecting the natural splice sites. Based on the available information, we are unable to determine the clinical significance of this variant.

Ambry Genetics
Classification: Likely benign for Hereditary cancer-predisposing syndrome. Last evaluated: 2020-05-12. Review status: criteria provided, single submitter. Criteria: Ambry Variant Classification Scheme 2023. Collection method: clinical testing. Allele origin: germline.

Literature cited by the submitters: PubMed 30082870 (cited by Quest Diagnostics Nichols Institute San Juan Capistrano).